The following is an entry in ClinVar:

ClinVar aggregate classification (germline): Uncertain significance (1 of 4 stars; one submission).

Allele frequency attached by ClinVar (database versions not stated): gnomAD exomes below 0.00001; ExAC 0.00001; gnomAD 0.00001.
gnomAD v4.1: 2 of 1,613,988 alleles (0.00012%); highest among the groups gnomAD compares: Non-Finnish European, 0.00017%; no homozygotes.

Submission:

Labcorp Genetics (formerly Invitae), Labcorp
Classification: Uncertain significance. Last evaluated: 2021-10-07. Review status: criteria provided, single submitter. Criteria: Invitae Variant Classification Sherloc (09022015). Collection method: clinical testing. Allele origin: germline.
Comment: This variant is present in population databases (rs759265325, ExAC 0.002%). In summary, the available evidence is currently insufficient to determine the role of this variant in disease. Therefore, it has been classified as a Variant of Uncertain Significance. Advanced modeling of protein sequence and biophysical properties (such as structural, functional, and spatial information, amino acid conservation, physicochemical variation, residue mobility, and thermodynamic stability) performed at Invitae indicates that this missense variant is expected to disrupt RP1L1 protein function. This variant has not been reported in the literature in individuals affected with RP1L1-related conditions. This sequence change replaces valine with alanine at codon 169 of the RP1L1 protein (p.Val169Ala). The valine residue is moderately conserved and there is a small physicochemical difference between valine and alanine.

NM_178857.6(RP1L1):c.506T>C (p.Val169Ala)

Gene: RP1L1 (RP1 like 1). Cytogenetic location: 8p23.1.
Variant type: single nucleotide variant.
Coding change: c.506T>C on transcript NM_178857.6 (MANE Select); coding-DNA position 506, T replaced by C.
Protein change: p.Val169Ala; replaces valine 169 with alanine.
Molecular consequence: missense variant.
Genome position (GRCh38, 1-based): chr8:10,622,696, A>G on the plus strand (T>C on the coding strand, the complement: RP1L1 is on the minus strand). VCF-style: chr8-10622696-A-G. GRCh37 (hg19) VCF-style: chr8-10480206-A-G.
Other names: short protein forms V169A.
Identifiers: ClinVar variation 1419489 (VCV001419489.6), dbSNP rs759265325, ClinGen allele CA4625664.